The following is an entry in ClinVar:

NM_000188.3(HK1):c.2428A>G (p.Asn810Asp)

Gene: HK1 (hexokinase 1; plus strand). Cytogenetic location: 10q22.1.
Variant type: single nucleotide variant.
Coding change: c.2428A>G on transcript NM_000188.3 (MANE Select); coding-DNA position 2428, A replaced by G.
Protein change: p.Asn810Asp; replaces asparagine 810 with aspartic acid.
Molecular consequence: missense variant.
Genome position (GRCh38, 1-based): chr10:69,398,647, A>G. VCF-style: chr10-69398647-A-G. GRCh37 (hg19) VCF-style: chr10-71158403-A-G.
Other names: c.2440A>G, p.Asn814Asp (NM_001322364.2, NM_001358263.1, NM_033497.3 and 1 more transcripts); c.2533A>G, p.Asn845Asp (NM_001322365.2); c.2344A>G, p.Asn782Asp (NM_001322366.1); c.2332A>G, p.Asn778Asp (NM_001322367.1); c.2425A>G, p.Asn809Asp (NM_033496.3); c.2392A>G, p.Asn798Asp (NM_033500.2); short protein forms N778D, N782D, N798D, N809D, N810D, N814D, N845D.
Identifiers: ClinVar variation 1717487 (VCV001717487.5), dbSNP rs2540484263, ClinGen allele CA376916631.

ClinVar aggregate classification (germline): Uncertain significance (1 of 4 stars; one submission).

Submission:

Labcorp Genetics (formerly Invitae), Labcorp
Classification: Uncertain significance. Last evaluated: 2022-08-21. Review status: criteria provided, single submitter. Criteria: Invitae Variant Classification Sherloc (09022015). Collection method: clinical testing. Allele origin: germline.
Comment: Algorithms developed to predict the effect of missense changes on protein structure and function (SIFT, PolyPhen-2, Align-GVGD) all suggest that this variant is likely to be tolerated. This sequence change replaces asparagine, which is neutral and polar, with aspartic acid, which is acidic and polar, at codon 810 of the HK1 protein (p.Asn810Asp). This variant is not present in population databases (gnomAD no frequency). This variant has not been reported in the literature in individuals affected with HK1-related conditions. In summary, the available evidence is currently insufficient to determine the role of this variant in disease. Therefore, it has been classified as a Variant of Uncertain Significance.